The following is an entry in ClinVar:

ClinVar aggregate classification (germline): Conflicting classifications of pathogenicity. Review status: criteria provided, conflicting classifications (1 of 4 stars). 7 submissions from 7 submitters: Uncertain significance (5); Likely benign (2). Last evaluated 2026-02-13.

Conditions:
Thrombomodulin-related bleeding disorder (THPH12). Also called: Thrombophilia due to thrombomodulin defect. Identifiers: Orphanet 436169, MedGen C3280976, MONDO:0013775, OMIM 614486.
Inborn genetic diseases. Identifiers: MedGen C0950123, MeSH D030342.
Atypical hemolytic-uremic syndrome with thrombomodulin anomaly. Also called: HEMOLYTIC UREMIC SYNDROME, ATYPICAL, SUSCEPTIBILITY TO, 6; AHUS, SUSCEPTIBILITY TO, 6. Identifiers: MedGen C2752036, MONDO:0013044, OMIM 612926. Disease mechanism: gain of function.

Allele frequency attached by ClinVar (database versions not stated): gnomAD exomes 0.00018; ESP Exome Variant Server 0.00021; gnomAD 0.00028 and 0.00060; ExAC 0.00031; TOPMed 0.00076; 1000 Genomes Project 30x 0.00016.
gnomAD v4.1: 533 of 1,518,302 alleles (0.035%); highest among the groups gnomAD compares: Non-Finnish European, 0.04%; 1 homozygote.

Submissions (7):

Women's Health and Genetics/Laboratory Corporation of America, LabCorp
Classification: Likely benign. Last evaluated: 2026-02-13. Review status: criteria provided, single submitter. Criteria: LabCorp Variant Classification Summary - May 2015. Collection method: clinical testing. Allele origin: germline.
Comment: Variant summary: THBD c.683C>T (p.Pro228Leu) results in a non-conservative amino acid change in the encoded protein sequence. Algorithms developed to predict the effect of missense changes on protein structure and function are either unavailable or do not agree on the potential impact of this missense change. The variant allele was found at a frequency of 0.00034 in 1571354 control chromosomes in the gnomAD database, including 1 homozygote. The observed variant frequency exceeds the estimated maximal expected allele frequency for disease-causing variants in THBD. c.683C>T has been observed in individuals affected with hemolytic-uremic syndrome (HUS) (Rydberg_2023, Huerta_2023), however no evidence for causality was provided (i.e. in these cases, a lack of family history or the presence of other factors suggestive of secondary HUS were noted). These reports do not provide unequivocal conclusions about association of the variant with Atypical hemolytic-uremic syndrome with thrombomodulin anomaly. To our knowledge, no experimental evidence demonstrating an impact on protein function has been reported. The following publications have been ascertained in the context of this evaluation (PMID: 37744338, 37567446, 41613109). ClinVar contains an entry for this variant (Variation ID: 626184). Based on the evidence outlined above, the variant was classified as likely benign.

Labcorp Genetics (formerly Invitae), Labcorp
Classification: Uncertain significance. Last evaluated: 2026-01-21. Review status: criteria provided, single submitter. Criteria: Invitae Variant Classification Sherloc (09022015). Collection method: clinical testing. Allele origin: germline.
Comment: This sequence change replaces proline, which is neutral and non-polar, with leucine, which is neutral and non-polar, at codon 228 of the THBD protein (p.Pro228Leu). This variant is present in population databases (rs375011249, gnomAD 0.05%), and has an allele count higher than expected for a pathogenic variant. This missense change has been observed in individual(s) with THBD-related conditions (PMID: 37567446, 37744338). ClinVar contains an entry for this variant (Variation ID: 626184). An algorithm developed to predict the effect of missense changes on protein structure and function outputs the following: PolyPhen-2: "Benign". The leucine amino acid residue is found in multiple mammalian species, which suggests that this missense change does not adversely affect protein function. In summary, the available evidence is currently insufficient to determine the role of this variant in disease. Therefore, it has been classified as a Variant of Uncertain Significance.

Genomenon, Inc
Classification: Uncertain significance for Thrombomodulin-related bleeding disorder. Last evaluated: 2025-09-22. Review status: criteria provided, single submitter. Criteria: Genomenon Sequence Variant Interpretation Standards - Updated. Collection method: curation. Allele origin: germline. Affected: no.
Comment: THBD p.Pro228Leu (c.683C>T) is a missense variant that changes the amino acid at residue 228 from Proline to Leucine. This variant has been reported in the published literature (PMID:37567446;37744338). It is absent or not present at a significant frequency in gnomAD. In silico models agree that this variant is not damaging. In conclusion, we classify THBD p.Pro228Leu (c.683C>T) as a variant of unknown significance.

Blueprint Genetics
Classification: Likely benign. Last evaluated: 2024-09-14. Review status: criteria provided, single submitter. Criteria: ACMG Guidelines, 2015. Collection method: clinical testing. Allele origin: germline.

Mayo Clinic Laboratories, Mayo Clinic
Classification: Uncertain significance. Last evaluated: 2022-06-07. Review status: criteria provided, single submitter. Criteria: ACMG Guidelines, 2015. Collection method: clinical testing. Allele origin: germline. Observed: 1 variant allele.
Comment: BP4

Ambry Genetics
Classification: Uncertain significance for Inborn genetic diseases. Last evaluated: 2021-09-16. Review status: criteria provided, single submitter. Criteria: Ambry Variant Classification Scheme 2023. Collection method: clinical testing. Allele origin: germline.

Center for Genomics, Ann and Robert H. Lurie Children's Hospital of Chicago
Classification: Uncertain significance for Thrombomodulin-related bleeding disorder; Atypical hemolytic-uremic syndrome with thrombomodulin anomaly. Review status: criteria provided, single submitter. Criteria: ACMG Guidelines, 2015. Collection method: clinical testing. Allele origin: germline.
Comment: THBD NM_000361.2 exon 1 p.Pro228Leu (c.683C>T): This variant has not been reported in the literature but is present in 31/588344 European alleles in the Genome Aggregation Database. Evolutionary conservation and computational predictive tools suggest that this variant may not impact the protein. In summary, data on this variant is insufficient for disease classification. Therefore, the clinical significance of this variant is uncertain

Literature cited by the submitters: PubMed 37744338 (cited by 3 submitters); PubMed 41613109 (cited by Women's Health and Genetics/Laboratory Corporation of America, LabCorp); PubMed 37567446 (cited by 3 submitters).

NM_000361.3(THBD):c.683C>T (p.Pro228Leu)

Gene: THBD (thrombomodulin; minus strand). Cytogenetic location: 20p11.21.
Variant type: single nucleotide variant.
Coding change: c.683C>T on transcript NM_000361.3 (MANE Select); coding-DNA position 683, C replaced by T.
Protein change: p.Pro228Leu; replaces proline 228 with leucine.
Molecular consequence: missense variant.
Genome position (GRCh38, 1-based): chr20:23,048,822, G>A on the plus strand (C>T on the coding strand, the complement: THBD is on the minus strand). VCF-style: chr20-23048822-G-A. GRCh37 (hg19) VCF-style: chr20-23029459-G-A.
Other names: p.Pro228Leu; c.683C>T (NM_000361.2); short protein forms P228L.
Identifiers: ClinVar variation 626184 (VCV000626184.14), dbSNP rs375011249, ClinGen allele CA9787703.
Genomic context (GRCh38, chr20:23,048,822, plus strand): 5'-TCCACGCTGCAGTCCCAAGCGCCCGGCGCCTCCCTGGCCCAGTGCCCCTGGACCGCTCCG[G>A]GCGGCGCGGTGCACATTAGCTGTAAGCCGAGGGGAGCCACCGCGGCGGAGCTGCCCACCG-3'
Protein context (NP_000352.1, residues 218-238): LGLQLMCTAP[Pro228Leu]GAVQGHWARE